The following is an entry in ClinVar:

ClinVar aggregate classification (germline): Uncertain significance (1 of 4 stars; one submission).

Conditions:
Cardiovascular phenotype. Identifiers: MedGen CN230736.

Allele frequency attached by ClinVar (database versions not stated): gnomAD 0.00001; gnomAD exomes 0.00001; TOPMed 0.00001.
gnomAD v4.1: 17 of 1,603,278 alleles (0.0011%); highest among the groups gnomAD compares: African/African-American, 0.0014%; no homozygotes.

Submission:

Ambry Genetics
Classification: Uncertain significance for Cardiovascular phenotype. Last evaluated: 2023-06-22. Review status: criteria provided, single submitter. Criteria: Ambry Variant Classification Scheme 2023. Collection method: clinical testing. Allele origin: germline.
Comment: The c.42218-3C>A intronic variant results from a C to A substitution 3 nucleotides upstream from coding exon 152 in the TTN gene. This nucleotide position is not well conserved in available vertebrate species. In silico splice site analysis for this alteration is inconclusive. Since supporting evidence is limited at this time, the clinical significance of this alteration remains unclear.

NM_001267550.2(TTN):c.69413-3C>A

Genes: TTN (titin; minus strand), TTN-AS1 (TTN antisense RNA 1; plus strand). Cytogenetic location: 2q31.2.
Variant type: single nucleotide variant.
Coding change: c.69413-3C>A on transcript NM_001267550.2 (MANE Select); 3 bases into the intron before coding-DNA position 69413, C replaced by A.
Molecular consequence: intron variant.
Genome position (GRCh38, 1-based): chr2:178,576,834, G>T on the plus strand (C>A on the coding strand, the complement: TTN is on the minus strand). VCF-style: chr2-178576834-G-T. GRCh37 (hg19) VCF-style: chr2-179441561-G-T.
Other names: c.42218-3C>A (NM_003319.4); c.42794-3C>A (NM_133437.4); c.42593-3C>A (NM_133432.3); c.61709-3C>A (NM_133378.4); c.64490-3C>A (NM_001256850.1).
Identifiers: ClinVar variation 1738831 (VCV001738831.3), dbSNP rs1232621000, ClinGen allele CA761291911.
Genomic context (GRCh38, chr2:178,576,834, plus strand): 5'-GTGGCAGTGTTCTTAGTGACATTTGATACCTCTGGTTTTTCAGGAGGGCCAGGGGGACCT[G>T]AAAAGGAAGCAAATTTATTAGAAATCCATGATTTCCTAAACTCTGCTATAAATGTTTCCA-3'